The following is an entry in ClinVar:

ClinVar aggregate classification (germline): Likely pathogenic (1 of 4 stars; one submission).

gnomAD v4.1: 2 of 1,614,028 alleles (0.00012%); highest among the groups gnomAD compares: African/African-American, 0.0013%; no homozygotes.

Submission:

GeneDx
Classification: Likely pathogenic. Last evaluated: 2024-02-16. Review status: criteria provided, single submitter. Criteria: GeneDx Variant Classification Process June 2021. Collection method: clinical testing. Allele origin: germline. Affected: yes.
Comment: Nonsense variant predicted to result in protein truncation or nonsense mediated decay in a gene for which loss of function is a known mechanism of disease; Not observed at significant frequency in large population cohorts (gnomAD); Has not been previously published as pathogenic or benign to our knowledge

NM_005051.3(QARS1):c.322G>T (p.Glu108Ter)

Gene: QARS1 (glutaminyl-tRNA synthetase 1; minus strand). Cytogenetic location: 3p21.31.
Variant type: single nucleotide variant.
Coding change: c.322G>T on transcript NM_005051.3 (MANE Select); coding-DNA position 322, G replaced by T.
Protein change: p.Glu108Ter; replaces glutamic acid 108 with a stop codon.
Molecular consequence: nonsense. On other transcripts: non-coding transcript variant (1).
Genome position (GRCh38, 1-based): chr3:49,103,916, C>A on the plus strand (G>T on the coding strand, the complement: QARS1 is on the minus strand). VCF-style: chr3-49103916-C-A. GRCh37 (hg19) VCF-style: chr3-49141349-C-A.
Other names: c.289G>T, p.Glu97Ter (NM_001272073.2); short protein forms E108*, E97*.
Identifiers: ClinVar variation 3252301 (VCV003252301.1), dbSNP rs1028746179.